The following is an entry in ClinVar:

ClinVar aggregate classification (germline): Uncertain significance (1 of 4 stars; one submission).

Submission:

Labcorp Genetics (formerly Invitae), Labcorp
Classification: Uncertain significance. Last evaluated: 2025-03-22. Review status: criteria provided, single submitter. Criteria: Invitae Variant Classification Sherloc (09022015). Collection method: clinical testing. Allele origin: germline.
Comment: This sequence change replaces alanine, which is neutral and non-polar, with glutamic acid, which is acidic and polar, at codon 393 of the MMP14 protein (p.Ala393Glu). This variant is not present in population databases (gnomAD no frequency). This variant has not been reported in the literature in individuals affected with MMP14-related conditions. Invitae Evidence Modeling of protein sequence and biophysical properties (such as structural, functional, and spatial information, amino acid conservation, physicochemical variation, residue mobility, and thermodynamic stability) indicates that this missense variant is not expected to disrupt MMP14 protein function with a negative predictive value of 80%. In summary, the available evidence is currently insufficient to determine the role of this variant in disease. Therefore, it has been classified as a Variant of Uncertain Significance.

NM_004995.4(MMP14):c.1178C>A (p.Ala393Glu)

Gene: MMP14 (matrix metallopeptidase 14; plus strand). Cytogenetic location: 14q11.2.
Variant type: single nucleotide variant.
Coding change: c.1178C>A on transcript NM_004995.4 (MANE Select); coding-DNA position 1178, C replaced by A.
Protein change: p.Ala393Glu; replaces alanine 393 with glutamic acid.
Molecular consequence: missense variant.
Genome position (GRCh38, 1-based): chr14:22,844,657, C>A. VCF-style: chr14-22844657-C-A. GRCh37 (hg19) VCF-style: chr14-23313866-C-A.
Other names: short protein forms A393E.
Identifiers: ClinVar variation 4804269 (VCV004804269.1).